The following is an entry in ClinVar:

ClinVar aggregate classification (germline): Conflicting classifications of pathogenicity. Review status: criteria provided, conflicting classifications (1 of 4 stars). 5 submissions from 4 submitters: Uncertain significance (3); Likely benign (2). Last evaluated 2025-02-25.

Conditions:
Inborn genetic diseases. Identifiers: MedGen C0950123, MeSH D030342.
Primary open angle glaucoma (POAG). Also called: OPTN-related open angle glaucoma. Identifiers: MedGen C0339573, MONDO:0100553, OMIM 137760.
Amyotrophic lateral sclerosis type 12 (ALS12). Also called: AMYOTROPHIC LATERAL SCLEROSIS 12 WITH OR WITHOUT FRONTOTEMPORAL DEMENTIA. Identifiers: Orphanet 803, MedGen C3150692, MONDO:0013264, OMIM 613435.
Glaucoma 1, open angle, E. Identifiers: MedGen C1842026, MONDO:0007665.

Allele frequency attached by ClinVar (database versions not stated): gnomAD exomes 0.00003; ExAC 0.00004.
gnomAD v4.1: 36 of 1,613,670 alleles (0.0022%); highest among the groups gnomAD compares: Non-Finnish European, 0.0028%; no homozygotes.

Submissions (5):

Labcorp Genetics (formerly Invitae), Labcorp
Classification: Uncertain significance for Primary open angle glaucoma; Glaucoma 1, open angle, E; Amyotrophic lateral sclerosis type 12. Last evaluated: 2025-02-25. Review status: criteria provided, single submitter. Criteria: Invitae Variant Classification Sherloc (09022015). Collection method: clinical testing. Allele origin: germline.
Comment: This sequence change replaces arginine, which is basic and polar, with histidine, which is basic and polar, at codon 271 of the OPTN protein (p.Arg271His). This variant is present in population databases (rs201896586, gnomAD 0.006%). This missense change has been observed in individual(s) with OPTN-related conditions (PMID: 28430856). ClinVar contains an entry for this variant (Variation ID: 877716). Invitae Evidence Modeling of protein sequence and biophysical properties (such as structural, functional, and spatial information, amino acid conservation, physicochemical variation, residue mobility, and thermodynamic stability) indicates that this missense variant is not expected to disrupt OPTN protein function with a negative predictive value of 80%. In summary, the available evidence is currently insufficient to determine the role of this variant in disease. Therefore, it has been classified as a Variant of Uncertain Significance.

GeneDx
Classification: Uncertain significance. Last evaluated: 2024-12-05. Review status: criteria provided, single submitter. Criteria: GeneDx Variant Classification Process June 2021. Collection method: clinical testing. Allele origin: germline. Affected: yes.
Comment: Previously reported in an individual with ALS; however, this individual also harbored a variant in a different gene related to ALS (PMID: 28430856); In silico analysis indicates that this missense variant does not alter protein structure/function; This variant is associated with the following publications: (PMID: 28430856, 30270202)

Ambry Genetics
Classification: Likely benign for Inborn genetic diseases. Last evaluated: 2021-04-27. Review status: criteria provided, single submitter. Criteria: Ambry Variant Classification Scheme 2023. Collection method: clinical testing. Allele origin: germline.

Illumina Laboratory Services, Illumina
Classification: Likely benign for Primary open angle glaucoma. Last evaluated: 2018-01-13. Review status: criteria provided, single submitter. Criteria: ICSL Variant Classification Criteria 13 December 2019. Collection method: clinical testing. Allele origin: germline.
Comment: This variant was observed in the ICSL laboratory as part of a predisposition screen in an ostensibly healthy population. It had not been previously curated by ICSL or reported in the Human Gene Mutation Database (HGMD: prior to June 1st, 2018), and was therefore a candidate for classification through an automated scoring system. Utilizing variant allele frequency, disease prevalence and penetrance estimates, and inheritance mode, an automated score was calculated to assess if this variant is too frequent to cause the disease. Based on the score and internal cut-off values, a variant classified as likely benign is not then subjected to further curation. The score for this variant resulted in a classification of likely benign for this disease.

Illumina Laboratory Services, Illumina
Classification: Uncertain significance for Amyotrophic lateral sclerosis type 12. Last evaluated: 2018-01-13. Review status: criteria provided, single submitter. Criteria: ICSL Variant Classification Criteria 13 December 2019. Collection method: clinical testing. Allele origin: germline.

Literature cited by the submitters: PubMed 28430856 (cited by Labcorp Genetics (formerly Invitae), Labcorp).

NM_001008212.2(OPTN):c.812G>A (p.Arg271His)

Gene: OPTN (optineurin; plus strand). Cytogenetic location: 10p13.
Variant type: single nucleotide variant.
Coding change: c.812G>A on transcript NM_001008212.2 (MANE Select); coding-DNA position 812, G replaced by A.
Protein change: p.Arg271His; replaces arginine 271 with histidine.
Molecular consequence: missense variant.
Genome position (GRCh38, 1-based): chr10:13,122,417, G>A. VCF-style: chr10-13122417-G-A. GRCh37 (hg19) VCF-style: chr10-13164417-G-A.
Other names: c.812G>A, p.Arg271His (NM_001008211.1, NM_001008213.1, NM_021980.4); short protein forms R271H.
Identifiers: ClinVar variation 877716 (VCV000877716.9), dbSNP rs201896586, ClinGen allele CA5410760.
Genomic context (GRCh38, chr10:13,122,417, plus strand): 5'-AACTTTTCTATCTTCTGTGATTTTCCAGAGTTTCAGATTTTGAAAAGAAAACAAGTAATC[G>A]TTCTGAGATTGAAACCCAGACAGAGGGGAGCACAGAGAAAGAGAATGATGAAGAGAAAGG-3'
Protein context (NP_001008213.1, residues 261-281): VSDFEKKTSN[Arg271His]SEIETQTEGS